The following is an entry in ClinVar:

ClinVar aggregate classification (germline): Uncertain significance (1 of 4 stars; one submission).

Allele frequency attached by ClinVar (database versions not stated): TOPMed below 0.00001; gnomAD 0.00001.

Submission:

Ambry Genetics
Classification: Uncertain significance. Last evaluated: 2025-06-16. Review status: criteria provided, single submitter. Criteria: Ambry Variant Classification Scheme 2023. Collection method: clinical testing. Allele origin: germline.
Comment: The p.S1295G variant (also known as c.3883A>G), located in coding exon 8 of the MLH3 gene, results from an A to G substitution at nucleotide position 3883. The serine at codon 1295 is replaced by glycine, an amino acid with similar properties. This amino acid position is conserved. In addition, this alteration is predicted to be tolerated by in silico analysis. Since supporting evidence is limited at this time, the clinical significance of this alteration remains unclear.

NM_001040108.2(MLH3):c.3883A>G (p.Ser1295Gly)

Gene: MLH3 (mutL homolog 3; minus strand). Cytogenetic location: 14q24.3.
Variant type: single nucleotide variant.
Coding change: c.3883A>G on transcript NM_001040108.2 (MANE Select); coding-DNA position 3883, A replaced by G.
Protein change: p.Ser1295Gly; replaces serine 1295 with glycine.
Molecular consequence: missense variant.
Genome position (GRCh38, 1-based): chr14:75,030,647, T>C on the plus strand (A>G on the coding strand, the complement: MLH3 is on the minus strand). VCF-style: chr14-75030647-T-C. GRCh37 (hg19) VCF-style: chr14-75497350-T-C.
Other names: c.3811A>G, p.Ser1271Gly (NM_014381.3); short protein forms S1295G, S1271G.
Identifiers: ClinVar variation 1735826 (VCV001735826.3), dbSNP rs1320106123, ClinGen allele CA390422964.